The following is an entry in ClinVar:

ClinVar aggregate classification (germline): Conflicting classifications of pathogenicity. Review status: criteria provided, conflicting classifications (1 of 4 stars). 3 submissions from 3 submitters: Likely pathogenic (1); Uncertain significance (2). Last evaluated 2026-07-22.

Conditions:
Hereditary cancer-predisposing syndrome. Also called: Neoplastic Syndromes, Hereditary; Hereditary Cancer Syndrome; Tumor predisposition; Hereditary neoplastic syndrome. Identifiers: Orphanet 140162, MedGen C0027672, MeSH D009386, MONDO:0015356.
Ataxia-telangiectasia syndrome (AT). Also called: LOUIS-BAR SYNDROME; Cerebello-oculocutaneous telangiectasia; Immunodeficiency with ataxia telangiectasia; Ataxia-telangiectasia, complementation group D; AT, COMPLEMENTATION GROUP C; Ataxia-telangiectasia, complementation group E. Identifiers: Orphanet 100, MedGen C0004135, MONDO:0008840, OMIM 208900.
Familial cancer of breast. Also called: Hereditary breast cancer; BREAST CANCER, FAMILIAL; hereditary breast carcinoma. Identifiers: Orphanet 227535, MedGen C0346153, MONDO:0016419, OMIM 114480. Disease mechanism: loss of function.

Allele frequency attached by ClinVar (database versions not stated): TOPMed 0.00001.

Submissions (3):

Myriad Genetics, Inc.
Classification: Likely pathogenic for Familial cancer of breast. Last evaluated: 2026-07-22. Review status: criteria provided, single submitter. Criteria: Myriad Autosomal Dominant, Autosomal Recessive and X-Linked Classification Criteria (2023). Collection method: clinical testing. Allele origin: unknown.
Comment: This variant is considered likely pathogenic. This variant has been reported in an individual with clinical features of gene-specific disease [PMID: 37438524]. Functional studies indicate this variant impacts protein function [PMID: 40580951]. This variant is expected to disrupt protein structure [Myriad internal data].

Labcorp Genetics (formerly Invitae), Labcorp
Classification: Uncertain significance for Ataxia-telangiectasia syndrome. Last evaluated: 2025-06-24. Review status: criteria provided, single submitter. Criteria: Invitae Variant Classification Sherloc (09022015). Collection method: clinical testing. Allele origin: germline.
Comment: This sequence change replaces aspartic acid, which is acidic and polar, with asparagine, which is neutral and polar, at codon 2870 of the ATM protein (p.Asp2870Asn). This variant is not present in population databases (gnomAD no frequency). This variant has not been reported in the literature in individuals affected with ATM-related conditions. ClinVar contains an entry for this variant (Variation ID: 407660). Invitae Evidence Modeling of protein sequence and biophysical properties (such as structural, functional, and spatial information, amino acid conservation, physicochemical variation, residue mobility, and thermodynamic stability) indicates that this missense variant is expected to disrupt ATM protein function with a positive predictive value of 95%. In summary, the available evidence is currently insufficient to determine the role of this variant in disease. Therefore, it has been classified as a Variant of Uncertain Significance.

Ambry Genetics
Classification: Uncertain significance for Hereditary cancer-predisposing syndrome. Last evaluated: 2025-05-14. Review status: criteria provided, single submitter. Criteria: Ambry Variant Classification Scheme 2023. Collection method: clinical testing. Allele origin: germline.
Comment: The p.D2870N variant (also known as c.8608G>A), located in coding exon 58 of the ATM gene, results from a G to A substitution at nucleotide position 8608. The aspartic acid at codon 2870 is replaced by asparagine, an amino acid with highly similar properties. This amino acid position is highly conserved in available vertebrate species. In addition, this alteration is predicted to be deleterious by in silico analysis. Based on the available evidence, the clinical significance of this variant remains unclear.

Literature cited by the submitters: PubMed 37438524 (cited by Myriad Genetics, Inc.); PubMed 40580951 (cited by Myriad Genetics, Inc.).

NM_000051.4(ATM):c.8608G>A (p.Asp2870Asn)

Genes: C11orf65 (chromosome 11 open reading frame 65; minus strand), ATM (ATM serine/threonine kinase; plus strand). Cytogenetic location: 11q22.3.
Variant type: single nucleotide variant.
Coding change: c.8608G>A on transcript NM_000051.4 (MANE Select); coding-DNA position 8608, G replaced by A.
Protein change: p.Asp2870Asn; replaces aspartic acid 2870 with asparagine.
Molecular consequence: missense variant. On other transcripts: intron variant (2).
Genome position (GRCh38, 1-based): chr11:108,347,302, G>A. VCF-style: chr11-108347302-G-A. GRCh37 (hg19) VCF-style: chr11-108218029-G-A.
Other names: c.8608G>A, p.Asp2870Asn (NM_001351834.2); c.641-38231C>T (NM_001330368.2); c.695-12010C>T (NM_001351110.2); short protein forms D2870N.
Identifiers: ClinVar variation 407660 (VCV000407660.14), dbSNP rs55798854, ClinGen allele CA16613220.